The following is an entry in ClinVar:

NM_001040108.2(MLH3):c.1809A>G (p.Leu603=)

Gene: MLH3 (mutL homolog 3; minus strand). Cytogenetic location: 14q24.3.
Variant type: single nucleotide variant.
Coding change: c.1809A>G on transcript NM_001040108.2 (MANE Select); coding-DNA position 1809, A replaced by G.
Protein change: p.Leu603=; no amino-acid change (leucine 603 retained).
Molecular consequence: synonymous variant.
Genome position (GRCh38, 1-based): chr14:75,047,847, T>C on the plus strand (A>G on the coding strand, the complement: MLH3 is on the minus strand). VCF-style: chr14-75047847-T-C. GRCh37 (hg19) VCF-style: chr14-75514550-T-C.
Other names: c.1809A>G, p.Leu603= (NM_014381.3).
Identifiers: ClinVar variation 1780518 (VCV001780518.6), dbSNP rs530048086, ClinGen allele CA7275812.

ClinVar aggregate classification (germline): Benign/Likely benign. Review status: criteria provided, multiple submitters, no conflicts (2 of 4 stars). 4 submissions from 4 submitters: Benign (1); Likely benign (2). 1 of the submissions does not count toward it. Last evaluated 2026-04-30.

Conditions:
Colorectal cancer, hereditary nonpolyposis, type 7. Identifiers: Orphanet 144, MedGen C1858380, MONDO:0013725, OMIM 614385.
MLH3-related disorder. Also called: MLH3-related condition.

Allele frequency attached by ClinVar (database versions not stated): 1000 Genomes Project 0.00020; ExAC 0.00002; TOPMed 0.00016; gnomAD 0.00018; 1000 Genomes Project 30x 0.00031.
gnomAD v4.1: 39 of 1,613,100 alleles (0.0024%); highest among the groups gnomAD compares: Admixed American, 0.057%; 1 homozygote.

Submissions (4):

Myriad Genetics, Inc.
Classification: Benign for Colorectal cancer, hereditary nonpolyposis, type 7. Last evaluated: 2026-04-30. Review status: criteria provided, single submitter. Criteria: Myriad Autosomal Dominant, Autosomal Recessive and X-Linked Classification Criteria (2023). Collection method: clinical testing. Allele origin: unknown.
Comment: This variant is considered benign. This variant is a silent/synonymous amino acid change and it is not expected to impact splicing.

Center for Genomic Medicine, Rigshospitalet, Copenhagen University Hospital
Classification: Likely benign. Last evaluated: 2025-03-04. Review status: criteria provided, single submitter. Criteria: ACMG Guidelines, 2015. Collection method: clinical testing. Allele origin: germline.

Ambry Genetics
Classification: Likely benign. Last evaluated: 2019-07-26. Review status: criteria provided, single submitter. Criteria: Ambry Variant Classification Scheme 2023. Collection method: clinical testing. Allele origin: germline.

PreventionGenetics, part of Exact Sciences
Classification: Likely benign for MLH3-related condition. Last evaluated: 2020-10-09. Review status: no assertion criteria provided. Collection method: clinical testing. Allele origin: germline. Not counted in ClinVar's aggregate classification.
Comment: This variant is classified as likely benign based on ACMG/AMP sequence variant interpretation guidelines (Richards et al. 2015 PMID: 25741868, with internal and published modifications).